The following is an entry in ClinVar:

ClinVar aggregate classification (germline): Uncertain significance. Review status: criteria provided, multiple submitters, no conflicts (2 of 4 stars). 3 submissions from 3 submitters: Uncertain significance (3). Last evaluated 2025-10-01.

Conditions:
Inborn genetic diseases. Identifiers: MedGen C0950123, MeSH D030342.

Allele frequency attached by ClinVar (database versions not stated): gnomAD exomes below 0.00001; TOPMed below 0.00001.
gnomAD v4.1: 2 of 1,613,412 alleles (0.00012%); highest among the groups gnomAD compares: Non-Finnish European, 0.00017%; no homozygotes.

Submissions (3):

Labcorp Genetics (formerly Invitae), Labcorp
Classification: Uncertain significance. Last evaluated: 2025-10-01. Review status: criteria provided, single submitter. Criteria: Invitae Variant Classification Sherloc (09022015). Collection method: clinical testing. Allele origin: germline.
Comment: This sequence change replaces arginine, which is basic and polar, with serine, which is neutral and polar, at codon 1266 of the SAMD9L protein (p.Arg1266Ser). This variant is not present in population databases (gnomAD no frequency). This variant has not been reported in the literature in individuals affected with SAMD9L-related conditions. ClinVar contains an entry for this variant (Variation ID: 2876939). Invitae Evidence Modeling of protein sequence and biophysical properties (such as structural, functional, and spatial information, amino acid conservation, physicochemical variation, residue mobility, and thermodynamic stability) indicates that this missense variant is not expected to disrupt SAMD9L protein function with a negative predictive value of 80%. In summary, the available evidence is currently insufficient to determine the role of this variant in disease. Therefore, it has been classified as a Variant of Uncertain Significance.

GeneDx
Classification: Uncertain significance. Last evaluated: 2025-04-10. Review status: criteria provided, single submitter. Criteria: GeneDx Variant Classification Process June 2021. Collection method: clinical testing. Allele origin: germline. Affected: yes.
Comment: Not observed at significant frequency in large population cohorts (gnomAD); In silico analysis indicates that this missense variant does not alter protein structure/function; Has not been previously published as pathogenic or benign to our knowledge

Ambry Genetics
Classification: Uncertain significance for Inborn genetic diseases. Last evaluated: 2024-12-20. Review status: criteria provided, single submitter. Criteria: Ambry Variant Classification Scheme 2023. Collection method: clinical testing. Allele origin: germline.
Comment: The p.R1266S variant (also known as c.3798G>C), located in coding exon 1 of the SAMD9L gene, results from a G to C substitution at nucleotide position 3798. The arginine at codon 1266 is replaced by serine, an amino acid with dissimilar properties. This amino acid position is conserved. In addition, this alteration is predicted to be tolerated by in silico analysis. Based on the available evidence, the clinical significance of this variant remains unclear.

NM_152703.5(SAMD9L):c.3798G>C (p.Arg1266Ser)

Gene: SAMD9L (sterile alpha motif domain containing 9 like; minus strand). Cytogenetic location: 7q21.2.
Variant type: single nucleotide variant.
Coding change: c.3798G>C on transcript NM_152703.5 (MANE Select); coding-DNA position 3798, G replaced by C.
Protein change: p.Arg1266Ser; replaces arginine 1266 with serine.
Molecular consequence: missense variant.
Genome position (GRCh38, 1-based): chr7:93,132,174, C>G on the plus strand (G>C on the coding strand, the complement: SAMD9L is on the minus strand). VCF-style: chr7-93132174-C-G. GRCh37 (hg19) VCF-style: chr7-92761487-C-G.
Other names: c.3798G>C (NM_152703.2, NM_152703.3); c.3798G>C, p.Arg1266Ser (NM_001303496.3, NM_001303497.3, NM_001303498.3 and 5 more transcripts); short protein forms R1266S.
Identifiers: ClinVar variation 2876939 (VCV002876939.5), dbSNP rs1792143805, ClinGen allele CA368179977.